The following is an entry in ClinVar:

NM_139057.4(ADAMTS17):c.2624C>G (p.Ala875Gly)

Gene: ADAMTS17 (ADAM metallopeptidase with thrombospondin type 1 motif 17; minus strand). Cytogenetic location: 15q26.3.
Variant type: single nucleotide variant.
Coding change: c.2624C>G on transcript NM_139057.4 (MANE Select); coding-DNA position 2624, C replaced by G.
Protein change: p.Ala875Gly; replaces alanine 875 with glycine.
Molecular consequence: missense variant.
Genome position (GRCh38, 1-based): chr15:99,997,557, G>C on the plus strand (C>G on the coding strand, the complement: ADAMTS17 is on the minus strand). VCF-style: chr15-99997557-G-C. GRCh37 (hg19) VCF-style: chr15-100537762-G-C.
Other names: short protein forms A875G.
Identifiers: ClinVar variation 1922633 (VCV001922633.3), dbSNP rs749156998, ClinGen allele CA7757635.

ClinVar aggregate classification (germline): Uncertain significance. Review status: criteria provided, multiple submitters, no conflicts (2 of 4 stars). 2 submissions from 2 submitters: Uncertain significance (2). Last evaluated 2022-10-26.

Conditions:
Inborn genetic diseases. Identifiers: MedGen C0950123, MeSH D030342.

gnomAD v4.1: 26 of 1,613,346 alleles (0.0016%); highest among the groups gnomAD compares: Non-Finnish European, 0.0021%; no homozygotes.

Submissions (2):

Ambry Genetics
Classification: Uncertain significance for Inborn genetic diseases. Last evaluated: 2022-10-26. Review status: criteria provided, single submitter. Criteria: Ambry Variant Classification Scheme 2023. Collection method: clinical testing. Allele origin: germline.

Labcorp Genetics (formerly Invitae), Labcorp
Classification: Uncertain significance. Last evaluated: 2022-05-31. Review status: criteria provided, single submitter. Criteria: Invitae Variant Classification Sherloc (09022015). Collection method: clinical testing. Allele origin: germline.
Comment: This sequence change replaces alanine, which is neutral and non-polar, with glycine, which is neutral and non-polar, at codon 875 of the ADAMTS17 protein (p.Ala875Gly). This variant is present in population databases (rs749156998, gnomAD 0.004%). This variant has not been reported in the literature in individuals affected with ADAMTS17-related conditions. Algorithms developed to predict the effect of missense changes on protein structure and function are either unavailable or do not agree on the potential impact of this missense change (SIFT: "Not Available"; PolyPhen-2: "Possibly Damaging"; Align-GVGD: "Not Available"). In summary, the available evidence is currently insufficient to determine the role of this variant in disease. Therefore, it has been classified as a Variant of Uncertain Significance.